The following is an entry in ClinVar:

NM_016617.4(UFM1):c.59+75C>T

Gene: UFM1 (ubiquitin fold modifier 1; plus strand). Cytogenetic location: 13q13.3.
Variant type: single nucleotide variant.
Coding change: c.59+75C>T on transcript NM_016617.4 (MANE Select); 75 bases into the intron after coding-DNA position 59, C replaced by T.
Molecular consequence: intron variant. On other transcripts: missense variant (1).
Genome position (GRCh38, 1-based): chr13:38,350,130, C>T. VCF-style: chr13-38350130-C-T. GRCh37 (hg19) VCF-style: chr13-38924267-C-T.
Other names: c.16C>T, p.Pro6Ser (NM_001286704.2); c.59+75C>T (NM_001286705.2, NM_001286703.2, NM_001286706.2); short protein forms P6S.
Identifiers: ClinVar variation 1353994 (VCV001353994.8), dbSNP rs766682188, ClinGen allele CA387996851.

ClinVar aggregate classification (germline): Uncertain significance (1 of 4 stars; one submission).

gnomAD v4.1: 1 of 1,613,966 alleles (0.000062%); highest among the groups gnomAD compares: Non-Finnish European, 0.000085%; no homozygotes.

Submission:

Labcorp Genetics (formerly Invitae), Labcorp
Classification: Uncertain significance. Last evaluated: 2022-11-22. Review status: criteria provided, single submitter. Criteria: Invitae Variant Classification Sherloc (09022015). Collection method: clinical testing. Allele origin: germline.
Comment: In summary, the available evidence is currently insufficient to determine the role of this variant in disease. Therefore, it has been classified as a Variant of Uncertain Significance. Algorithms developed to predict the effect of missense changes on protein structure and function (SIFT, PolyPhen-2, Align-GVGD) all suggest that this variant is likely to be tolerated. ClinVar contains an entry for this variant (Variation ID: 1353994). This variant has not been reported in the literature in individuals affected with UFM1-related conditions. This variant is not present in population databases (gnomAD no frequency). This sequence change replaces proline, which is neutral and non-polar, with serine, which is neutral and polar, at codon 6 of the UFM1 protein (p.Pro6Ser).